The following is an entry in ClinVar:

NM_022114.4(PRDM16):c.561G>C (p.Gln187His)

Gene: PRDM16 (PR/SET domain 16; plus strand). Cytogenetic location: 1p36.32.
Variant type: single nucleotide variant.
Coding change: c.561G>C on transcript NM_022114.4 (MANE Select); coding-DNA position 561, G replaced by C.
Protein change: p.Gln187His; replaces glutamine 187 with histidine.
Molecular consequence: missense variant.
Genome position (GRCh38, 1-based): chr1:3,385,274, G>C. VCF-style: chr1-3385274-G-C. GRCh37 (hg19) VCF-style: chr1-3301838-G-C.
Other names: c.561G>C, p.Gln187His (NM_199454.3); short protein forms Q187H.
Identifiers: ClinVar variation 1312859 (VCV001312859.3), dbSNP rs752812879, ClinGen allele CA543847.

ClinVar aggregate classification (germline): Conflicting classifications of pathogenicity. Review status: criteria provided, conflicting classifications (1 of 4 stars). 2 submissions from 2 submitters: Uncertain significance (1); Likely benign (1). Last evaluated 2024-03-23.

Allele frequency attached by ClinVar (database versions not stated): ExAC 0.00001; gnomAD 0.00001; gnomAD exomes 0.00001; TOPMed 0.00002.
gnomAD v4.1: 23 of 1,613,562 alleles (0.0014%); highest among the groups gnomAD compares: Non-Finnish European, 0.0019%; no homozygotes.

Submissions (2):

Blueprint Genetics
Classification: Likely benign. Last evaluated: 2024-03-23. Review status: criteria provided, single submitter. Criteria: ACMG Guidelines, 2015. Collection method: clinical testing. Allele origin: germline.

GeneDx
Classification: Uncertain significance. Last evaluated: 2020-07-02. Review status: criteria provided, single submitter. Criteria: GeneDx Variant Classification Process June 2021. Collection method: clinical testing. Allele origin: germline. Affected: yes.
Comment: Has not been previously published as pathogenic or benign to our knowledge; Not observed at a significant frequency in large population cohorts (Lek et al., 2016); In silico analysis supports that this missense variant does not alter protein structure/function